The following is an entry in ClinVar:

NM_001079802.2(FKTN):c.820C>T (p.Arg274Trp)

Gene: FKTN (fukutin; plus strand). Cytogenetic location: 9q31.2.
Variant type: single nucleotide variant.
Coding change: c.820C>T on transcript NM_001079802.2 (MANE Select); coding-DNA position 820, C replaced by T.
Protein change: p.Arg274Trp; replaces arginine 274 with tryptophan.
Molecular consequence: missense variant. On other transcripts: non-coding transcript variant (1).
Genome position (GRCh38, 1-based): chr9:105,615,317, C>T. VCF-style: chr9-105615317-C-T. GRCh37 (hg19) VCF-style: chr9-108377598-C-T.
Other names: c.820C>T, p.Arg274Trp (NM_001198963.2, NM_001351496.2, NM_001351498.2 and 1 more transcripts); c.751C>T, p.Arg251Trp (NM_001351497.2); c.424C>T, p.Arg142Trp (NM_001351499.2, NM_001351500.2, NM_001351501.2 and 1 more transcripts); short protein forms R274W, R251W, R142W.
Identifiers: ClinVar variation 290479 (VCV000290479.53), dbSNP rs558187116, ClinGen allele CA5170500.

ClinVar aggregate classification (germline): Conflicting classifications of pathogenicity. Review status: criteria provided, conflicting classifications (1 of 4 stars). 12 submissions from 11 submitters: Likely pathogenic (1); Uncertain significance (9). 2 of the submissions do not count toward it. Last evaluated 2024-05-15.

Conditions:
Cardiovascular phenotype. Identifiers: MedGen CN230736.
Walker-Warburg congenital muscular dystrophy. Also called: Muscular dystrophy-dystroglycanopathy, type A; Walker-Warburg syndrome. Identifiers: Orphanet 899, MedGen C0265221, MONDO:0000171.
Muscular dystrophy-dystroglycanopathy (congenital with brain and eye anomalies), type A, 4 (MDDGA4). Also called: WALKER-WARBURG SYNDROME OR MUSCLE-EYE-BRAIN DISEASE, FKTN-RELATED; Congenital muscular dystrophy-dystroglycanopathy with brain and eye anomalies, type A4; Muscular dystrophy, congenital progressive, with mental retardation; Muscular dystrophy, congenital, with central nervous system involvement; Cerebromuscular dystrophy, Fukuyama type; Fukuyama congenital muscular dystrophy. Identifiers: Orphanet 272, Orphanet 588, Orphanet 899, MedGen C0410174, MONDO:0009678, OMIM 253800.
FKTN-related disorder. Also called: FKTN-related disorders; FKTN-related condition.
Dilated cardiomyopathy 1X (CMD1X). Also called: CARDIOMYOPATHY, DILATED, WITH MILD OR NO PROXIMAL MUSCLE WEAKNESS; FKTN-Related Dilated Cardiomyopathy. Identifiers: Orphanet 154, MedGen C1969024, MONDO:0012704, OMIM 611615.
Muscular dystrophy-dystroglycanopathy (congenital with brain and eye anomalies), type A1 (MDDGA1). Also called: Muscular dystrophy-dystroglycanopathy (congenital with brain and eye anomalies), type A, 1; WALKER-WARBURG SYNDROME OR MUSCLE-EYE-BRAIN DISEASE, POMT1-RELATED; Hydrocephalus, agyria and retinal dysplasia; Hard +/- E syndrome; Warburg syndrome; Chemke syndrome. Identifiers: Orphanet 588, Orphanet 899, MedGen C4284790, MONDO:0009364, OMIM 236670.
Muscular dystrophy-dystroglycanopathy (congenital without impaired intellectual development), type B, 4. Also called: Muscular dystrophy-dystroglycanopathy (congenital without intellectual disability), type B4; MUSCULAR DYSTROPHY, CONGENITAL, FKTN-RELATED. Identifiers: MedGen C2751052, MONDO:0013156, OMIM 613152.
Autosomal recessive limb-girdle muscular dystrophy type 2M. Also called: MUSCULAR DYSTROPHY-DYSTROGLYCANOPATHY (LIMB-GIRDLE), TYPE C, 4; MUSCULAR DYSTROPHY, LIMB-GIRDLE, TYPE 2M. Identifiers: Orphanet 206554, MedGen C1969040, MONDO:0012699, OMIM 611588.

Allele frequency attached by ClinVar (database versions not stated): gnomAD exomes 0.00009 and 0.00003; 1000 Genomes Project 30x 0.00016; gnomAD 0.00001 and 0.00002; TOPMed 0.00001; 1000 Genomes Project 0.00020; ExAC 0.00010.
gnomAD v4.1: 55 of 1,613,716 alleles (0.0034%); highest among the groups gnomAD compares: South Asian, 0.029%; no homozygotes.

Submissions (12):

Revvity Omics, Revvity
Classification: Uncertain significance. Last evaluated: 2024-05-15. Review status: criteria provided, single submitter. Criteria: ACMG Guidelines, 2015. Collection method: clinical testing. Allele origin: germline.

Institute of Human Genetics, University of Leipzig Medical Center
Classification: Uncertain significance for Muscular dystrophy-dystroglycanopathy (congenital with brain and eye anomalies), type A, 4. Last evaluated: 2023-11-28. Review status: criteria provided, single submitter. Criteria: ACMG Guidelines, 2015. Collection method: clinical testing. Allele origin: unknown. Inheritance: Autosomal recessive inheritance. Affected: yes.
Comment: Criteria applied: PM3,PM2_SUP,PP3

Labcorp Genetics (formerly Invitae), Labcorp
Classification: Uncertain significance for Walker-Warburg congenital muscular dystrophy. Last evaluated: 2022-03-09. Review status: criteria provided, single submitter. Criteria: Invitae Variant Classification Sherloc (09022015). Collection method: clinical testing. Allele origin: germline.
Comment: This sequence change replaces arginine, which is basic and polar, with tryptophan, which is neutral and slightly polar, at codon 274 of the FKTN protein (p.Arg274Trp). This variant is present in population databases (rs558187116, gnomAD 0.04%). This missense change has been observed in individual(s) with clinical features of FKTN-related conditions (PMID: 31983221). ClinVar contains an entry for this variant (Variation ID: 290479). Algorithms developed to predict the effect of missense changes on protein structure and function are either unavailable or do not agree on the potential impact of this missense change (SIFT: "Deleterious"; PolyPhen-2: "Benign"; Align-GVGD: "Class C35"). In summary, the available evidence is currently insufficient to determine the role of this variant in disease. Therefore, it has been classified as a Variant of Uncertain Significance.

Fulgent Genetics
Classification: Uncertain significance for Muscular dystrophy-dystroglycanopathy (congenital with brain and eye anomalies), type A1; Muscular dystrophy-dystroglycanopathy (congenital with brain and eye anomalies), type A, 4; Autosomal recessive limb-girdle muscular dystrophy type 2M; Dilated cardiomyopathy 1X; Muscular dystrophy-dystroglycanopathy (congenital without impaired intellectual development), type B, 4. Last evaluated: 2021-09-14. Review status: criteria provided, single submitter. Criteria: ACMG Guidelines, 2015. Collection method: clinical testing. Allele origin: unknown.

CeGaT Center for Human Genetics Tuebingen
Classification: Likely pathogenic. Last evaluated: 2021-07-01. Review status: criteria provided, single submitter. Criteria: CeGaT Center For Human Genetics Tuebingen Variant Classification Criteria Version 2. Collection method: clinical testing. Allele origin: germline. Affected: yes. Observed: 1 variant allele.

New York Genome Center
Classification: Uncertain significance for Muscular dystrophy-dystroglycanopathy (congenital with brain and eye anomalies), type A, 4. Last evaluated: 2021-04-10. Review status: criteria provided, single submitter. Criteria: NYGC Assertion Criteria 2020. Collection method: clinical testing. Allele origin: inherited. Observed: 1 heterozygote. Study: CSER-NYCKidSeq.

Ambry Genetics
Classification: Uncertain significance for Cardiovascular phenotype. Last evaluated: 2021-01-07. Review status: criteria provided, single submitter. Criteria: Ambry Variant Classification Scheme 2023. Collection method: clinical testing. Allele origin: germline.
Comment: The p.R274W variant (also known as c.820C>T), located in coding exon 6 of the FKTN gene, results from a C to T substitution at nucleotide position 820. The arginine at codon 274 is replaced by tryptophan, an amino acid with dissimilar properties. This variant has been detected in a dilated cardiomyopathy cohort; however, details were limited (Mazzarotto F et al. Circulation, 2020 02;141:387-398). This amino acid position is well conserved in available vertebrate species. In addition, the in silico prediction for this alteration is inconclusive. Since supporting evidence is limited at this time, the clinical significance of this alteration remains unclear.

Illumina Laboratory Services, Illumina
Classification: Uncertain significance for Dilated cardiomyopathy 1X. Last evaluated: 2018-01-12. Review status: criteria provided, single submitter. Criteria: ICSL Variant Classification Criteria 13 December 2019. Collection method: clinical testing. Allele origin: germline.

Illumina Laboratory Services, Illumina
Classification: Uncertain significance for Muscular dystrophy-dystroglycanopathy (congenital with brain and eye anomalies), type A, 4. Last evaluated: 2018-01-12. Review status: criteria provided, single submitter. Criteria: ICSL Variant Classification Criteria 13 December 2019. Collection method: clinical testing. Allele origin: germline.

Eurofins Ntd Llc (ga)
Classification: Uncertain significance. Last evaluated: 2016-09-26. Review status: criteria provided, single submitter. Criteria: EGL Classification Definitions 2015. Collection method: clinical testing. Allele origin: germline. Observed: 1 variant allele, 1 heterozygote.

PreventionGenetics, part of Exact Sciences
Classification: Uncertain significance for FKTN-related condition. Last evaluated: 2024-04-19. Review status: no assertion criteria provided. Collection method: clinical testing. Allele origin: germline. Not counted in ClinVar's aggregate classification.
Comment: The FKTN c.820C>T variant is predicted to result in the amino acid substitution p.Arg274Trp. This variant was reported in an individual with dilated cardiomyopathy (Table S3, Mazzarotto et al. 2020. PubMed ID: 31983221). This variant is reported in 0.039% of alleles in individuals of South Asian descent in gnomAD. At this time, the clinical significance of this variant is uncertain due to the absence of conclusive functional and genetic evidence.

Natera, Inc.
Classification: Uncertain significance for Walker-Warburg congenital muscular dystrophy. Last evaluated: 2020-02-21. Review status: no assertion criteria provided. Collection method: clinical testing. Allele origin: germline. Not counted in ClinVar's aggregate classification.

Literature cited by the submitters: PubMed 31983221 (cited by Labcorp Genetics (formerly Invitae), Labcorp and Ambry Genetics).